The following is an entry in ClinVar:

NM_145239.3(PRRT2):c.331A>G (p.Lys111Glu)

Genes: MVP-DT (MVP divergent transcript; minus strand), PRRT2 (proline rich transmembrane protein 2; plus strand). Cytogenetic location: 16p11.2.
Variant type: single nucleotide variant.
Coding change: c.331A>G on transcript NM_145239.3 (MANE Select); coding-DNA position 331, A replaced by G.
Protein change: p.Lys111Glu; replaces lysine 111 with glutamic acid.
Molecular consequence: missense variant.
Genome position (GRCh38, 1-based): chr16:29,813,385, A>G. VCF-style: chr16-29813385-A-G. GRCh37 (hg19) VCF-style: chr16-29824706-A-G.
Other names: c.331A>G, p.Lys111Glu (NM_001256442.2, NM_001256443.2); short protein forms K111E.
Identifiers: ClinVar variation 3637519 (VCV003637519.2).

ClinVar aggregate classification (germline): Uncertain significance (1 of 4 stars; one submission).

Conditions:
Episodic kinesigenic dyskinesia (EKD). Also called: Paroxysmal kinesigenic dyskinesia. Identifiers: Orphanet 98809, MedGen C1868682, MONDO:0044202.

gnomAD v4.1: 1 of 1,614,158 alleles (0.000062%); highest among the groups gnomAD compares: Non-Finnish European, 0.000085%; no homozygotes.

Submission:

Labcorp Genetics (formerly Invitae), Labcorp
Classification: Uncertain significance for Episodic kinesigenic dyskinesia. Last evaluated: 2024-08-08. Review status: criteria provided, single submitter. Criteria: Invitae Variant Classification Sherloc (09022015). Collection method: clinical testing. Allele origin: germline.
Comment: This sequence change replaces lysine, which is basic and polar, with glutamic acid, which is acidic and polar, at codon 111 of the PRRT2 protein (p.Lys111Glu). This variant is not present in population databases (gnomAD no frequency). This variant has not been reported in the literature in individuals affected with PRRT2-related conditions. Advanced modeling of protein sequence and biophysical properties (such as structural, functional, and spatial information, amino acid conservation, physicochemical variation, residue mobility, and thermodynamic stability) performed at Invitae indicates that this missense variant is not expected to disrupt PRRT2 protein function with a negative predictive value of 95%. In summary, the available evidence is currently insufficient to determine the role of this variant in disease. Therefore, it has been classified as a Variant of Uncertain Significance.